The following is an entry in ClinVar:

ClinVar aggregate classification (germline): Pathogenic (1 of 4 stars; one submission).

Conditions:
Cardiovascular phenotype. Identifiers: MedGen CN230736.

Submission:

Molecular Diagnostic Laboratory for Inherited Cardiovascular Disease, Montreal Heart Institute
Classification: Pathogenic for Cardiovascular phenotype. Last evaluated: 2025-11-10. Review status: criteria provided, single submitter. Criteria: ACMG Guidelines, 2015. Collection method: clinical testing. Allele origin: germline. Affected: yes.
Comment: PVS1, PM2, PS4_supp

NM_004415.4(DSP):c.2063_2064del (p.Leu688fs)

Gene: DSP (desmoplakin; plus strand). Cytogenetic location: 6p24.3.
Variant type: Microsatellite.
Coding change: c.2063_2064del on transcript NM_004415.4 (MANE Select); coding-DNA positions 2063 to 2064, 2 bases deleted (TC; older notation c.2063_2064delTC).
Protein change: p.Leu688fs; shifts the reading frame from leucine 688.
Molecular consequence: frameshift variant.
Genome position (GRCh38, 1-based): chr6:7,572,001-7,572,002, TC deleted; deleting any 2 consecutive bases within chr6:7,571,998-7,572,002 gives the same sequence; the c. name uses the placement nearest the transcript's 3' end. VCF-style (leftmost placement, unchanged base first): chr6-7571997-ACT-A. GRCh37 (hg19) VCF-style: chr6-7572230-ACT-A.
Other names: c.2063_2064del, p.Leu688fs (NM_001008844.3, NM_001319034.2); short protein forms L688fs.
Identifiers: ClinVar variation 4820410 (VCV004820410.1).